The following is an entry in ClinVar:

ClinVar aggregate classification (germline): Uncertain significance. Review status: criteria provided, multiple submitters, no conflicts (2 of 4 stars). 3 submissions from 3 submitters: Uncertain significance (3). Last evaluated 2026-07-20.

Conditions:
BBS9-related disorder. Also called: BBS9-related condition.
Bardet-Biedl syndrome (BBS). Identifiers: Orphanet 110, MedGen C0752166, MONDO:0015229.
Bardet-Biedl syndrome 9 (BBS9). Identifiers: Orphanet 110, MedGen C1859567, MONDO:0014437, OMIM 615986.

Allele frequency attached by ClinVar (database versions not stated): gnomAD exomes below 0.00001; ExAC 0.00001; TOPMed 0.00001.
gnomAD v4.1: 1 of 1,596,768 alleles (0.000063%); highest among the groups gnomAD compares: Admixed American, 0.0017%; no homozygotes.

Submissions (3):

PreventionGenetics, part of Exact Sciences
Classification: Uncertain significance for BBS9-related condition. Last evaluated: 2026-07-20. Review status: criteria provided, single submitter. Criteria: ACMG Guidelines, 2015. Collection method: clinical testing. Allele origin: germline.
Comment: The BBS9 c.2522-3T>C variant is predicted to interfere with splicing. This variant is predicted to have a minimal impact on splicing. Of note, another splicing variant altering the c.2522 splice site was reported as a likely pathogenic finding in a study of worldwide carrier frequency and genetic prevalence of autosomal recessive inherited retinal diseases (c.2522-1G>A, Supplemental Data, Hanany et al. 2020. PubMed ID: 31964843). To our knowledge, the c.2522-3T>C variant has not been reported in the literature. This variant is reported in 0.0029% of alleles in individuals of Latino descent in gnomAD. Although we suspect that this variant may be benign, at this time, the clinical significance of this variant is uncertain due to the absence of conclusive functional and genetic evidence.

Labcorp Genetics (formerly Invitae), Labcorp
Classification: Uncertain significance for Bardet-Biedl syndrome. Last evaluated: 2024-11-05. Review status: criteria provided, single submitter. Criteria: Invitae Variant Classification Sherloc (09022015). Collection method: clinical testing. Allele origin: germline.
Comment: This sequence change falls in intron 21 of the BBS9 gene. It does not directly change the encoded amino acid sequence of the BBS9 protein. It affects a nucleotide within the consensus splice site. This variant is present in population databases (rs750216247, gnomAD 0.003%). This variant has not been reported in the literature in individuals affected with BBS9-related conditions. ClinVar contains an entry for this variant (Variation ID: 1948068). Variants that disrupt the consensus splice site are a relatively common cause of aberrant splicing (PMID: 17576681, 9536098). Algorithms developed to predict the effect of sequence changes on RNA splicing suggest that this variant is not likely to affect RNA splicing. In summary, the available evidence is currently insufficient to determine the role of this variant in disease. Therefore, it has been classified as a Variant of Uncertain Significance.

Fulgent Genetics
Classification: Uncertain significance for Bardet-Biedl syndrome 9. Last evaluated: 2024-01-24. Review status: criteria provided, single submitter. Criteria: ACMG Guidelines, 2015. Collection method: clinical testing. Allele origin: germline.

Literature cited by the submitters: PubMed 17576681 (cited by Labcorp Genetics (formerly Invitae), Labcorp); PubMed 9536098 (cited by Labcorp Genetics (formerly Invitae), Labcorp).

NM_198428.3(BBS9):c.2522-3T>C

Gene: BBS9 (Bardet-Biedl syndrome 9; plus strand). Cytogenetic location: 7p14.3.
Variant type: single nucleotide variant.
Coding change: c.2522-3T>C on transcript NM_198428.3 (MANE Select); 3 bases into the intron before coding-DNA position 2522, T replaced by C.
Molecular consequence: intron variant.
Genome position (GRCh38, 1-based): chr7:33,604,862, T>C. VCF-style: chr7-33604862-T-C. GRCh37 (hg19) VCF-style: chr7-33644474-T-C.
Other names: c.2522-3T>C (NM_001348036.1, NM_001348041.4, NM_001348043.3 and 1 more transcripts); c.2522-30315T>C (NM_001362679.1); c.2249-3T>C (NM_001348038.3); c.2144-3T>C (NM_001348039.3); c.2507-3T>C (NM_001033605.2); c.2417-3T>C (NM_001033604.2); c.2402-3T>C (NM_014451.4, NM_001348040.3); c.1973-3T>C (NM_001348037.3); and 3 more.
Identifiers: ClinVar variation 1948068 (VCV001948068.7), dbSNP rs750216247, ClinGen allele CA4214724.